The following is an entry in ClinVar:

NM_015047.3(EMC1):c.2357_2358delinsGC (p.His786Arg)

Genes: EMC1 (ER membrane protein complex subunit 1; minus strand), EMC1-AS1 (EMC1 antisense RNA 1; plus strand). Cytogenetic location: 1p36.13.
Variant type: Indel.
Coding change: c.2357_2358delinsGC on transcript NM_015047.3 (MANE Select); coding-DNA positions 2357 to 2358, AT replaced by GC.
Protein change: p.His786Arg; replaces histidine 786 with arginine.
Molecular consequence: missense variant.
Genome position (GRCh38, 1-based): chr1:19,223,414-19,223,415, AT replaced by GC on the plus strand (AT replaced by GC on the coding strand, the reverse complement: EMC1 is on the minus strand). VCF-style: chr1-19223414-AT-GC. GRCh37 (hg19) VCF-style: chr1-19549908-AT-GC.
Other names: c.2354_2355delinsGC, p.His785Arg (NM_001271427.2, NM_001271428.2); c.2291_2292delinsGC, p.His764Arg (NM_001271429.2); c.2366_2367delinsGC, p.His789Arg (NM_001375820.1); c.2363_2364delinsGC, p.His788Arg (NM_001375821.1); short protein forms H786R, H788R, H789R, H764R, H785R.
Identifiers: ClinVar variation 1996721 (VCV001996721.4), dbSNP rs2536671209, ClinGen allele CA2580061416.
Genomic context (GRCh38, chr1:19,223,414, plus strand): 5'-GACCTCTGGAGCTACCTTGGGTCCCTGGTAGTGACCGCTTACCACCACCCAGTTCTCTGA[AT>GC]GCACGATATGGACAGGGCCTTTGGCTTTCTTCTGCACAGAGGAGTGAATGATACGCCCAG-3'
Protein context (NP_055862.1, residues 776-796): KKAKGPVHIV[His786Arg]SENWVVYQYW

ClinVar aggregate classification (germline): Uncertain significance (1 of 4 stars; one submission).

Submission:

Labcorp Genetics (formerly Invitae), Labcorp
Classification: Uncertain significance. Last evaluated: 2022-11-01. Review status: criteria provided, single submitter. Criteria: Invitae Variant Classification Sherloc (09022015). Collection method: clinical testing. Allele origin: germline.
Comment: In summary, the available evidence is currently insufficient to determine the role of this variant in disease. Therefore, it has been classified as a Variant of Uncertain Significance. Algorithms developed to predict the effect of missense changes on protein structure and function are either unavailable or do not agree on the potential impact of this missense change (SIFT: "Not Available"; PolyPhen-2: "Probably Damaging"; Align-GVGD: "Not Available"). This variant has not been reported in the literature in individuals affected with EMC1-related conditions. Information on the frequency of this variant in the gnomAD database is not available, as this variant may be reported differently in the database. This sequence change replaces histidine, which is basic and polar, with arginine, which is basic and polar, at codon 786 of the EMC1 protein (p.His786Arg).